The following is an entry in ClinVar:

NM_147191.1(MMP21):c.626C>G (p.Thr209Arg)

Gene: MMP21 (matrix metallopeptidase 21; minus strand). Cytogenetic location: 10q26.2.
Variant type: single nucleotide variant.
Coding change: c.626C>G on transcript NM_147191.1 (MANE Select); coding-DNA position 626, C replaced by G.
Protein change: p.Thr209Arg; replaces threonine 209 with arginine.
Molecular consequence: missense variant.
Genome position (GRCh38, 1-based): chr10:125,773,902, G>C on the plus strand (C>G on the coding strand, the complement: MMP21 is on the minus strand). VCF-style: chr10-125773902-G-C. GRCh37 (hg19) VCF-style: chr10-127462471-G-C.
Other names: short protein forms T209R.
Identifiers: ClinVar variation 2507422 (VCV002507422.15), dbSNP rs778679455, ClinGen allele CA378681079.
Genomic context (GRCh38, chr10:125,773,902, plus strand): 5'-CCCAGCTTGATGTCGACCGCGGCCCCGGGGGCGGCCAGGTCCTCGCGGAAGTCCAGCGGC[G>C]TCACCTCGCTCCACATCCTGAAGGCCAGCGCCACAATGCGCCGCTGGTCGGCCACGGACA-3'
Protein context (NP_671724.1, residues 199-219): ALAFRMWSEV[Thr209Arg]PLDFREDLAA

ClinVar aggregate classification (germline): Uncertain significance. Review status: criteria provided, multiple submitters, no conflicts (2 of 4 stars). 2 submissions from 2 submitters: Uncertain significance (2). Last evaluated 2025-02-01.

Conditions:
Heterotaxy, visceral, 7, autosomal (HTX7). Identifiers: Orphanet 450, MedGen C4225217, MONDO:0014762, OMIM 616749.

gnomAD v4.1: 4 of 1,581,516 alleles (0.00025%); highest among the groups gnomAD compares: Non-Finnish European, 0.00034%; no homozygotes.

Submissions (2):

CeGaT Center for Human Genetics Tuebingen
Classification: Uncertain significance. Last evaluated: 2025-02-01. Review status: criteria provided, single submitter. Criteria: CeGaT Center For Human Genetics Tuebingen Variant Classification Criteria Version 2. Collection method: clinical testing. Allele origin: germline. Affected: yes. Observed: 1 variant allele.
Comment: MMP21: PM2, PM3

Institute of Human Genetics, Cologne University
Classification: Uncertain significance for Heterotaxy, visceral, 7, autosomal. Last evaluated: 2022-12-22. Review status: criteria provided, single submitter. Criteria: ACMG Guidelines, 2015. Collection method: clinical testing. Allele origin: maternal. Affected: yes.